The following is an entry in ClinVar:

NM_000321.3(RB1):c.346A>G (p.Thr116Ala)

Gene: RB1 (RB transcriptional corepressor 1; plus strand). Cytogenetic location: 13q14.2.
Variant type: single nucleotide variant.
Coding change: c.346A>G on transcript NM_000321.3 (MANE Select); coding-DNA position 346, A replaced by G.
Protein change: p.Thr116Ala; replaces threonine 116 with alanine.
Molecular consequence: missense variant.
Genome position (GRCh38, 1-based): chr13:48,342,680, A>G. VCF-style: chr13-48342680-A-G. GRCh37 (hg19) VCF-style: chr13-48916816-A-G.
Other names: c.346A>G, p.Thr116Ala (NM_001407165.1, NM_001407166.1); short protein forms T116A.
Identifiers: ClinVar variation 3943339 (VCV003943339.2).
Genomic context (GRCh38, chr13:48,342,680, plus strand): 5'-AAGGAACTGTGGGGAATCTGTATCTTTATTGCAGCAGTTGACCTAGATGAGATGTCGTTC[A>G]CTTTTACTGAGCTACAGAAAAACATAGAAATCAGGTAAAGTTTCTTGTATAAATATAAGC-3'
Protein context (NP_000312.2, residues 106-126): AAVDLDEMSF[Thr116Ala]FTELQKNIEI

ClinVar aggregate classification (germline): Uncertain significance. Review status: criteria provided, multiple submitters, no conflicts (2 of 4 stars). 2 submissions from 2 submitters: Uncertain significance (2). Last evaluated 2025-05-30.

Conditions:
Retinoblastoma (RB1). Also called: RETINOBLASTOMA, SOMATIC. Identifiers: Orphanet 790, MedGen C0035335, MeSH D012175, MONDO:0008380, OMIM 180200, HP:0009919. Disease mechanism: loss of function. Inheritance: Both sporadic and heritable forms are tested..
Hereditary cancer-predisposing syndrome. Also called: Tumor predisposition; Hereditary neoplastic syndrome; Hereditary Cancer Syndrome; Neoplastic Syndromes, Hereditary. Identifiers: Orphanet 140162, MedGen C0027672, MeSH D009386, MONDO:0015356.

Submissions (2):

Color Diagnostics, LLC DBA Color Health
Classification: Uncertain significance for Retinoblastoma. Last evaluated: 2025-05-30. Review status: criteria provided, single submitter. Criteria: ACMG Guidelines, 2015. Collection method: clinical testing. Allele origin: germline.
Comment: This missense variant replaces threonine with alanine at codon 116 of the RB1 protein. Computational prediction is inconclusive regarding the impact of this variant on protein structure and function. To our knowledge, functional studies have not been reported for this variant. This variant has not been reported in individuals affected with RB1-related disorders in the literature. This variant has not been identified in the general population by the Genome Aggregation Database (gnomAD). The available evidence is insufficient to determine the role of this variant in disease conclusively. Therefore, this variant is classified as a Variant of Uncertain Significance.

Ambry Genetics
Classification: Uncertain significance for Hereditary cancer-predisposing syndrome. Last evaluated: 2025-04-04. Review status: criteria provided, single submitter. Criteria: Ambry Variant Classification Scheme 2023. Collection method: clinical testing. Allele origin: germline.
Comment: The p.T116A variant (also known as c.346A>G), located in coding exon 3 of the RB1 gene, results from an A to G substitution at nucleotide position 346. The threonine at codon 116 is replaced by alanine, an amino acid with similar properties. This amino acid position is conserved. In addition, the in silico prediction for this alteration is inconclusive. Based on the available evidence, the clinical significance of this variant remains unclear.